The following is an entry in ClinVar:

ClinVar aggregate classification (germline): Benign (1 of 4 stars; one submission).

Conditions:
Breast-ovarian cancer, familial, susceptibility to, 2 (BROVCA2). Also called: BRCA2 Hereditary Breast and Ovarian Cancer. Identifiers: Orphanet 145, MedGen C2675520, MONDO:0012933, OMIM 612555. Disease mechanism: loss of function.

Submission:

Dipartimento Di Medicina Di Precisione, Università Degli Studi Della Campania Luigi Vanvitelli
Classification: Benign for Breast-ovarian cancer, familial, susceptibility to, 2. Last evaluated: 2025-07-17. Review status: criteria provided, single submitter. Criteria: ACMG Guidelines, 2015. Collection method: clinical testing. Allele origin: germline. Affected: yes. Observed: 1 heterozygote.
Comment: The CHEK2 c.1260-140G>A variant is located in intron 10, between exon 10 and exon 11 of transcript NM_007194.4. This is a deep intronic variant, situated 140 nucleotides upstream of the splice acceptor site of exon 11. The position lies outside canonical splice site regions and does not involve highly conserved sequences. In silico analysis using SpliceAI and CADD does not predict a significant impact on splicing or protein function. Both tools support a benign classification, indicating that the variant is unlikely to be pathogenic.

Literature cited by the submitters: DOI 10.3390/ijms26135928.

NM_007194.4:c.1260-140G>A

Gene: CHEK2 (checkpoint kinase 2; minus strand).
Variant type: single nucleotide variant.
Other names: c.1260-140G>A (NM_007194.4).
Identifiers: ClinVar variation 4073509 (VCV004073509.1).